The following is an entry in ClinVar:

ClinVar aggregate classification (germline): Likely benign. Review status: criteria provided, multiple submitters, no conflicts (2 of 4 stars). 2 submissions from 2 submitters: Likely benign (2). Last evaluated 2025-06-02.

Conditions:
Kleefstra syndrome 1 (KLEFS1). Identifiers: Orphanet 261494, MedGen C0795833, MONDO:0027407, OMIM 610253.

Submissions (2):

Women's Health and Genetics/Laboratory Corporation of America, LabCorp
Classification: Likely benign. Last evaluated: 2025-06-02. Review status: criteria provided, single submitter. Criteria: LabCorp Variant Classification Summary - May 2015. Collection method: clinical testing. Allele origin: germline.
Comment: Variant summary: EHMT1 c.2713-10_2713-9delGT alters a nucleotide located at a position not widely known to affect splicing. Consensus agreement among computation tools predict no significant impact on normal splicing. However, these predictions have yet to be confirmed by functional studies. The variant was absent in 249228 control chromosomes. The available data on variant occurrences in the general population are insufficient to allow any conclusion about variant significance. To our knowledge, no occurrence of c.2713-10_2713-9delGT in individuals affected with Kleefstra Syndrome 1 and no experimental evidence demonstrating its impact on protein function have been reported. ClinVar contains an entry for this variant (Variation ID: 3667315). Based on the evidence outlined above, the variant was classified as likely benign.

Labcorp Genetics (formerly Invitae), Labcorp
Classification: Likely benign for Kleefstra syndrome 1. Last evaluated: 2024-07-19. Review status: criteria provided, single submitter. Criteria: Invitae Variant Classification Sherloc (09022015). Collection method: clinical testing. Allele origin: germline.

NM_024757.5(EHMT1):c.2713-10_2713-9del

Gene: EHMT1 (euchromatic histone lysine methyltransferase 1; plus strand). Cytogenetic location: 9q34.3.
Variant type: Microsatellite.
Coding change: c.2713-10_2713-9del on transcript NM_024757.5 (MANE Select); 10 bases into the intron before coding-DNA position 2713 through 9 bases into the intron before coding-DNA position 2713, 2 bases deleted (GT; older notation c.2713-10_2713-9delGT).
Molecular consequence: intron variant.
Genome position (GRCh38, 1-based): chr9:137,811,451-137,811,452, GT deleted; deleting any 2 consecutive bases within chr9:137,811,448-137,811,452 gives the same sequence; the c. name uses the placement nearest the transcript's 3' end. VCF-style (leftmost placement, unchanged base first): chr9-137811447-TTG-T. GRCh37 (hg19) VCF-style: chr9-140705899-TTG-T.
Other names: c.2713-10_2713-9delGT (NM_024757.5); c.2692-10_2692-9del (NM_001354263.2).
Identifiers: ClinVar variation 3667315 (VCV003667315.3).